The following is an entry in ClinVar:

ClinVar aggregate classification (germline): Likely benign. Review status: criteria provided, multiple submitters, no conflicts (2 of 4 stars). 4 submissions from 4 submitters: Likely benign (4). Last evaluated 2025-10-30.

Conditions:
NDUFV1-related disorder. Also called: NDUFV1-related disorders; NDUFV1-related condition.

Allele frequency attached by ClinVar (database versions not stated): gnomAD 0.00004; TOPMed 0.00004; ExAC 0.00006; ESP Exome Variant Server 0.00015.
gnomAD v4.1: 33 of 1,606,848 alleles (0.0021%); highest among the groups gnomAD compares: African/African-American, 0.008%; no homozygotes.

Submissions (4):

Mayo Clinic Laboratories, Mayo Clinic
Classification: Likely benign. Last evaluated: 2025-10-30. Review status: criteria provided, single submitter. Criteria: ACMG Guidelines, 2015. Collection method: clinical testing. Allele origin: germline. Observed: 1 variant allele.
Comment: BP4, BP7

CeGaT Center for Human Genetics Tuebingen
Classification: Likely benign. Last evaluated: 2025-07-01. Review status: criteria provided, single submitter. Criteria: CeGaT Center For Human Genetics Tuebingen Variant Classification Criteria Version 2. Collection method: clinical testing. Allele origin: germline. Affected: yes. Observed: 1 variant allele.
Comment: NDUFV1: BP4, BP7

PreventionGenetics, part of Exact Sciences
Classification: Likely benign for NDUFV1-related condition. Last evaluated: 2025-06-13. Review status: criteria provided, single submitter. Criteria: ACMG Guidelines, 2015. Collection method: clinical testing. Allele origin: germline.
Comment: This variant is classified as likely benign based on ACMG/AMP sequence variant interpretation guidelines (Richards et al. 2015 PMID: 25741868, with internal and published modifications).

Labcorp Genetics (formerly Invitae), Labcorp
Classification: Likely benign. Last evaluated: 2024-12-02. Review status: criteria provided, single submitter. Criteria: Invitae Variant Classification Sherloc (09022015). Collection method: clinical testing. Allele origin: germline.

NM_007103.4(NDUFV1):c.1065C>T (p.Ile355=)

Gene: NDUFV1 (NADH:ubiquinone oxidoreductase core subunit V1; plus strand). Cytogenetic location: 11q13.2.
Variant type: single nucleotide variant.
Coding change: c.1065C>T on transcript NM_007103.4 (MANE Select); coding-DNA position 1065, C replaced by T.
Protein change: p.Ile355=; no amino-acid change (isoleucine 355 retained).
Molecular consequence: synonymous variant.
Genome position (GRCh38, 1-based): chr11:67,611,554, C>T. VCF-style: chr11-67611554-C-T. GRCh37 (hg19) VCF-style: chr11-67379025-C-T.
Other names: p.Ile355=; c.1065C>T (NM_007103.3); c.1038C>T, p.Ile346= (NM_001166102.2).
Identifiers: ClinVar variation 1608462 (VCV001608462.18), dbSNP rs148408365, ClinGen allele CA6143370.